The following is an entry in ClinVar:

ClinVar aggregate classification (germline): Uncertain significance (1 of 4 stars; one submission).

Allele frequency attached by ClinVar (database versions not stated): TOPMed 0.00001.
gnomAD v4.1: 2 of 1,613,372 alleles (0.00012%); highest among the groups gnomAD compares: African/African-American, 0.0027%; no homozygotes.

Submission:

Labcorp Genetics (formerly Invitae), Labcorp
Classification: Uncertain significance. Last evaluated: 2025-11-01. Review status: criteria provided, single submitter. Criteria: Invitae Variant Classification Sherloc (09022015). Collection method: clinical testing. Allele origin: germline.
Comment: This sequence change replaces aspartic acid, which is acidic and polar, with tyrosine, which is neutral and polar, at codon 470 of the PITPNM3 protein (p.Asp470Tyr). This variant is not present in population databases (gnomAD no frequency). This variant has not been reported in the literature in individuals affected with PITPNM3-related conditions. ClinVar contains an entry for this variant (Variation ID: 957958). Invitae Evidence Modeling of protein sequence and biophysical properties (such as structural, functional, and spatial information, amino acid conservation, physicochemical variation, residue mobility, and thermodynamic stability) has been performed for this missense variant. However, the output from this modeling did not meet the statistical confidence thresholds required to predict the impact of this variant on PITPNM3 protein function. In summary, the available evidence is currently insufficient to determine the role of this variant in disease. Therefore, it has been classified as a Variant of Uncertain Significance.

NM_031220.4(PITPNM3):c.1408G>T (p.Asp470Tyr)

Gene: PITPNM3 (PITPNM family member 3; minus strand). Cytogenetic location: 17p13.2.
Variant type: single nucleotide variant.
Coding change: c.1408G>T on transcript NM_031220.4 (MANE Select); coding-DNA position 1408, G replaced by T.
Protein change: p.Asp470Tyr; replaces aspartic acid 470 with tyrosine.
Molecular consequence: missense variant.
Genome position (GRCh38, 1-based): chr17:6,472,678, C>A on the plus strand (G>T on the coding strand, the complement: PITPNM3 is on the minus strand). VCF-style: chr17-6472678-C-A. GRCh37 (hg19) VCF-style: chr17-6375998-C-A.
Other names: c.1300G>T, p.Asp434Tyr (NM_001165966.2); short protein forms D434Y, D470Y.
Identifiers: ClinVar variation 957958 (VCV000957958.9), dbSNP rs201223846, ClinGen allele CA397405959.
Genomic context (GRCh38, chr17:6,472,678, plus strand): 5'-TCCAGCTCAGCACACTCTCTCCCACCCCCAAGAACCTACCGAGGAGGAGGGACTGCCCAT[C>A]GCCCAGTGGGAACCTCTGGTAGCGAGGCACGCTGACAGGCGGCACCAGGTGGAACTTGGG-3'
Protein context (NP_112497.2, residues 460-480): VPRYQRFPLG[Asp470Tyr]GQSLLLADAL